The following is an entry in ClinVar:

NM_020987.5(ANK3):c.8618T>C (p.Val2873Ala)

Gene: ANK3 (ankyrin 3; minus strand). Cytogenetic location: 10q21.2.
Variant type: single nucleotide variant.
Coding change: c.8618T>C on transcript NM_020987.5 (MANE Select); coding-DNA position 8618, T replaced by C.
Protein change: p.Val2873Ala; replaces valine 2873 with alanine.
Molecular consequence: missense variant. On other transcripts: intron variant (4).
Genome position (GRCh38, 1-based): chr10:60,072,263, A>G on the plus strand (T>C on the coding strand, the complement: ANK3 is on the minus strand). VCF-style: chr10-60072263-A-G. GRCh37 (hg19) VCF-style: chr10-61832021-A-G.
Other names: c.4388-4254T>C (NM_001204403.2); c.4409-4254T>C (NM_001204404.2); c.4406-4254T>C (NM_001320874.2); c.1808-4254T>C (NM_001149.4); short protein forms V2873A.
Identifiers: ClinVar variation 2764101 (VCV002764101.3), dbSNP rs2492540339, ClinGen allele CA377006980.

ClinVar aggregate classification (germline): Uncertain significance (1 of 4 stars; one submission).

Submission:

Labcorp Genetics (formerly Invitae), Labcorp
Classification: Uncertain significance. Last evaluated: 2024-11-18. Review status: criteria provided, single submitter. Criteria: Invitae Variant Classification Sherloc (09022015). Collection method: clinical testing. Allele origin: germline.
Comment: This sequence change replaces valine, which is neutral and non-polar, with alanine, which is neutral and non-polar, at codon 2873 of the ANK3 protein (p.Val2873Ala). This variant is not present in population databases (gnomAD no frequency). This variant has not been reported in the literature in individuals affected with ANK3-related conditions. ClinVar contains an entry for this variant (Variation ID: 2764101). Invitae Evidence Modeling of protein sequence and biophysical properties (such as structural, functional, and spatial information, amino acid conservation, physicochemical variation, residue mobility, and thermodynamic stability) indicates that this missense variant is not expected to disrupt ANK3 protein function with a negative predictive value of 80%. In summary, the available evidence is currently insufficient to determine the role of this variant in disease. Therefore, it has been classified as a Variant of Uncertain Significance.